The following is an entry in ClinVar:

ClinVar aggregate classification (germline): Uncertain significance (1 of 4 stars; one submission).

Conditions:
Hereditary cancer-predisposing syndrome. Also called: Neoplastic Syndromes, Hereditary; Tumor predisposition; Hereditary neoplastic syndrome; Hereditary Cancer Syndrome. Identifiers: Orphanet 140162, MedGen C0027672, MeSH D009386, MONDO:0015356.

Submission:

Ambry Genetics
Classification: Uncertain significance for Hereditary cancer-predisposing syndrome. Last evaluated: 2025-06-15. Review status: criteria provided, single submitter. Criteria: Ambry Variant Classification Scheme 2023. Collection method: clinical testing. Allele origin: germline.
Comment: The p.G2897R variant (also known as c.8689G>C), located in coding exon 59 of the ATM gene, results from a G to C substitution at nucleotide position 8689. The glycine at codon 2897 is replaced by arginine, an amino acid with dissimilar properties. This amino acid position is conserved. In addition, this alteration is predicted to be deleterious by in silico analysis. Based on the available evidence, the clinical significance of this variant remains unclear.

NM_000051.4(ATM):c.8689G>C (p.Gly2897Arg)

Genes: ATM (ATM serine/threonine kinase; plus strand), C11orf65 (chromosome 11 open reading frame 65; minus strand). Cytogenetic location: 11q22.3.
Variant type: single nucleotide variant.
Coding change: c.8689G>C on transcript NM_000051.4 (MANE Select); coding-DNA position 8689, G replaced by C.
Protein change: p.Gly2897Arg; replaces glycine 2897 with arginine.
Molecular consequence: missense variant. On other transcripts: intron variant (2).
Genome position (GRCh38, 1-based): chr11:108,353,783, G>C. VCF-style: chr11-108353783-G-C. GRCh37 (hg19) VCF-style: chr11-108224510-G-C.
Other names: c.8689G>C, p.Gly2897Arg (NM_001351834.2); c.640+32137C>G (NM_001330368.2); c.695-18491C>G (NM_001351110.2); short protein forms G2897R.
Identifiers: ClinVar variation 4168673 (VCV004168673.1).